The following is an entry in ClinVar:

NM_014413.4(EIF2AK1):c.659G>A (p.Gly220Asp)

Gene: EIF2AK1 (eukaryotic translation initiation factor 2 alpha kinase 1; minus strand). Cytogenetic location: 7p22.1.
Variant type: single nucleotide variant.
Coding change: c.659G>A on transcript NM_014413.4 (MANE Select); coding-DNA position 659, G replaced by A.
Protein change: p.Gly220Asp; replaces glycine 220 with aspartic acid.
Molecular consequence: missense variant.
Genome position (GRCh38, 1-based): chr7:6,044,633, C>T on the plus strand (G>A on the coding strand, the complement: EIF2AK1 is on the minus strand). VCF-style: chr7-6044633-C-T. GRCh37 (hg19) VCF-style: chr7-6084264-C-T.
Other names: c.659G>A, p.Gly220Asp (NM_001134335.2); short protein forms G220D.
Identifiers: ClinVar variation 4982710 (VCV004982710.1).

ClinVar aggregate classification (germline): Uncertain significance (1 of 4 stars; one submission).

Conditions:
EIF2AK1-related disorder. Also called: EIF2AK1-related condition.

gnomAD v4.1: 2 of 1,613,866 alleles (0.00012%); highest among the groups gnomAD compares: African/African-American, 0.0027%; no homozygotes.

Submission:

PreventionGenetics, part of Exact Sciences
Classification: Uncertain significance for EIF2AK1-related condition. Last evaluated: 2025-09-17. Review status: criteria provided, single submitter. Criteria: ACMG Guidelines, 2015. Collection method: clinical testing. Allele origin: germline.
Comment: The EIF2AK1 c.659G>A variant is predicted to result in the amino acid substitution p.Gly220Asp. To our knowledge, this variant has not been reported in the literature. This variant is reported in 0.0062% of alleles in individuals of African descent in gnomAD. At this time, the clinical significance of this variant is uncertain due to the absence of conclusive functional and genetic evidence.